The following is an entry in ClinVar:

NM_001378454.1(ALMS1):c.8942A>G (p.Asn2981Ser)

Gene: ALMS1 (ALMS1 centrosome and basal body associated protein; plus strand). Cytogenetic location: 2p13.1.
Variant type: single nucleotide variant.
Coding change: c.8942A>G on transcript NM_001378454.1 (MANE Select); coding-DNA position 8942, A replaced by G.
Protein change: p.Asn2981Ser; replaces asparagine 2981 with serine.
Molecular consequence: missense variant.
Genome position (GRCh38, 1-based): chr2:73,490,901, A>G. VCF-style: chr2-73490901-A-G. GRCh37 (hg19) VCF-style: chr2-73718028-A-G.
Other names: c.8945A>G, p.Asn2982Ser (NM_015120.4); short protein forms N2981S, N2982S.
Identifiers: ClinVar variation 1164463 (VCV001164463.39), dbSNP rs200390821, ClinGen allele CA1714573.

ClinVar aggregate classification (germline): Benign/Likely benign. Review status: criteria provided, multiple submitters, no conflicts (2 of 4 stars). 5 submissions from 5 submitters: Benign (1); Likely benign (3). 1 of the submissions does not count toward it. Last evaluated 2025-06-15.

Conditions:
Alstrom syndrome (ALMS). Identifiers: Orphanet 64, MedGen C0268425, MONDO:0008763, OMIM 203800.

Allele frequency attached by ClinVar (database versions not stated): TOPMed 0.00001; gnomAD exomes 0.00019 and 0.00048; ExAC 0.00045; gnomAD 0.00056 and 0.00057.
gnomAD v4.1: 358 of 1,613,820 alleles (0.022%); highest among the groups gnomAD compares: Non-Finnish European, 0.002%; 2 homozygotes.

Submissions (5):

Labcorp Genetics (formerly Invitae), Labcorp
Classification: Benign for Alstrom syndrome. Last evaluated: 2025-06-15. Review status: criteria provided, single submitter. Criteria: Invitae Variant Classification Sherloc (09022015). Collection method: clinical testing. Allele origin: germline.

Blueprint Genetics
Classification: Likely benign. Last evaluated: 2024-11-06. Review status: criteria provided, single submitter. Criteria: ACMG Guidelines, 2015. Collection method: clinical testing. Allele origin: germline.

CeGaT Center for Human Genetics Tuebingen
Classification: Likely benign. Last evaluated: 2022-09-01. Review status: criteria provided, single submitter. Criteria: CeGaT Center For Human Genetics Tuebingen Variant Classification Criteria Version 2. Collection method: clinical testing. Allele origin: germline. Affected: yes. Observed: 1 variant allele.
Comment: ALMS1: BP4, BS2

Fulgent Genetics
Classification: Likely benign for Alstrom syndrome. Last evaluated: 2022-01-12. Review status: criteria provided, single submitter. Criteria: ACMG Guidelines, 2015. Collection method: clinical testing. Allele origin: unknown.

Natera, Inc.
Classification: Benign for Alstrom syndrome. Last evaluated: 2020-07-21. Review status: no assertion criteria provided. Collection method: clinical testing. Allele origin: germline. Not counted in ClinVar's aggregate classification.